The following is an entry in ClinVar:

NM_014264.5(PLK4):c.2381G>A (p.Arg794Lys)

Gene: PLK4 (polo like kinase 4; plus strand). Cytogenetic location: 4q28.1.
Variant type: single nucleotide variant.
Coding change: c.2381G>A on transcript NM_014264.5 (MANE Select); coding-DNA position 2381, G replaced by A.
Protein change: p.Arg794Lys; replaces arginine 794 with lysine.
Molecular consequence: missense variant.
Genome position (GRCh38, 1-based): chr4:127,893,571, G>A. VCF-style: chr4-127893571-G-A. GRCh37 (hg19) VCF-style: chr4-128814726-G-A.
Other names: c.2285G>A, p.Arg762Lys (NM_001190799.2); c.2258G>A, p.Arg753Lys (NM_001190801.2); c.2381G>A (NM_014264.4); short protein forms R762K, R753K, R794K.
Identifiers: ClinVar variation 1969651 (VCV001969651.5), dbSNP rs752630935, ClinGen allele CA3077039.

ClinVar aggregate classification (germline): Uncertain significance. Review status: criteria provided, multiple submitters, no conflicts (2 of 4 stars). 2 submissions from 2 submitters: Uncertain significance (2). Last evaluated 2025-04-17.

Conditions:
Inborn genetic diseases. Identifiers: MedGen C0950123, MeSH D030342.

Allele frequency attached by ClinVar (database versions not stated): gnomAD 0.00003; TOPMed 0.00003; gnomAD exomes 0.00005; ExAC 0.00007.
gnomAD v4.1: 79 of 1,612,714 alleles (0.0049%); highest among the groups gnomAD compares: East Asian, 0.036%; no homozygotes.

Submissions (2):

Labcorp Genetics (formerly Invitae), Labcorp
Classification: Uncertain significance. Last evaluated: 2025-04-17. Review status: criteria provided, single submitter. Criteria: Invitae Variant Classification Sherloc (09022015). Collection method: clinical testing. Allele origin: germline.
Comment: This sequence change replaces arginine, which is basic and polar, with lysine, which is basic and polar, at codon 794 of the PLK4 protein (p.Arg794Lys). This variant is present in population databases (rs752630935, gnomAD 0.1%). This variant has not been reported in the literature in individuals affected with PLK4-related conditions. ClinVar contains an entry for this variant (Variation ID: 1969651). An algorithm developed to predict the effect of missense changes on protein structure and function (PolyPhen-2) suggests that this variant is likely to be tolerated. In summary, the available evidence is currently insufficient to determine the role of this variant in disease. Therefore, it has been classified as a Variant of Uncertain Significance.

Ambry Genetics
Classification: Uncertain significance for Inborn genetic diseases. Last evaluated: 2025-01-24. Review status: criteria provided, single submitter. Criteria: Ambry Variant Classification Scheme 2023. Collection method: clinical testing. Allele origin: germline.